The following is an entry in ClinVar:

ClinVar aggregate classification (germline): Likely benign (0 of 4 stars; one submission).

Conditions:
IFT172-related disorder. Also called: IFT172-related disorders; IFT172-related condition.

Submission:

PreventionGenetics, part of Exact Sciences
Classification: Likely benign for IFT172-related condition. Last evaluated: 2022-01-26. Review status: no assertion criteria provided. Collection method: clinical testing. Allele origin: germline.
Comment: This variant is classified as likely benign based on ACMG/AMP sequence variant interpretation guidelines (Richards et al. 2015 PMID: 25741868, with internal and published modifications).

NM_015662.3(IFT172):c.1320C>T (p.Leu440=)

Gene: IFT172 (intraflagellar transport 172; minus strand). Cytogenetic location: 2p23.3.
Variant type: single nucleotide variant.
Coding change: c.1320C>T on transcript NM_015662.3 (MANE Select); coding-DNA position 1320, C replaced by T.
Protein change: p.Leu440=; no amino-acid change (leucine 440 retained).
Molecular consequence: synonymous variant.
Genome position (GRCh38, 1-based): chr2:27,477,222, G>A on the plus strand (C>T on the coding strand, the complement: IFT172 is on the minus strand). VCF-style: chr2-27477222-G-A. GRCh37 (hg19) VCF-style: chr2-27700089-G-A.
Other names: c.1320C>T, p.Leu440= (NM_001410739.1).
Identifiers: ClinVar variation 3354629 (VCV003354629.1).
Genomic context (GRCh38, chr2:27,477,222, plus strand): 5'-AGTCCAAAAGGAATTATTCTGGGTTTCAGGGATTCAGAGAATCTTGTGAGGTTACCTGAT[G>A]AGGTGGGGGTTCATGAATTCAGTGCGTACAGAACCCAGGGTGTCATTATTCCCATATTCC-3'
Protein context (NP_056477.1, residues 430-450): SVRTEFMNPH[Leu440=]ISVRINERCQ